The following is an entry in ClinVar:

ClinVar aggregate classification (germline): Uncertain significance. Review status: criteria provided, multiple submitters, no conflicts (2 of 4 stars). 2 submissions from 2 submitters: Uncertain significance (2). Last evaluated 2025-08-13.

Conditions:
Nephronophthisis 14 (NPHP14). Identifiers: Orphanet 2318, MedGen C3539071, MONDO:0013916, OMIM 614844.

gnomAD v4.1: 24 of 1,614,040 alleles (0.0015%); highest among the groups gnomAD compares: South Asian, 0.016%; no homozygotes.

Submissions (2):

Labcorp Genetics (formerly Invitae), Labcorp
Classification: Uncertain significance for Nephronophthisis 14. Last evaluated: 2025-08-13. Review status: criteria provided, single submitter. Criteria: Invitae Variant Classification Sherloc (09022015). Collection method: clinical testing. Allele origin: germline.
Comment: This sequence change replaces aspartic acid, which is acidic and polar, with glutamic acid, which is acidic and polar, at codon 81 of the ZNF423 protein (p.Asp81Glu). This variant is present in population databases (rs750675439, gnomAD 0.01%). This variant has not been reported in the literature in individuals affected with ZNF423-related conditions. Invitae Evidence Modeling of protein sequence and biophysical properties (such as structural, functional, and spatial information, amino acid conservation, physicochemical variation, residue mobility, and thermodynamic stability) indicates that this missense variant is not expected to disrupt ZNF423 protein function with a negative predictive value of 80%. In summary, the available evidence is currently insufficient to determine the role of this variant in disease. Therefore, it has been classified as a Variant of Uncertain Significance.

Blueprint Genetics
Classification: Uncertain significance. Last evaluated: 2017-07-05. Review status: criteria provided, single submitter. Criteria: ACMG Guidelines, 2015. Collection method: clinical testing. Allele origin: germline.

NM_001379286.1(ZNF423):c.267C>A (p.Asp89Glu)

Gene: ZNF423 (zinc finger protein 423; minus strand). Cytogenetic location: 16q12.1.
Variant type: single nucleotide variant.
Coding change: c.267C>A on transcript NM_001379286.1 (MANE Select); coding-DNA position 267, C replaced by A.
Protein change: p.Asp89Glu; replaces aspartic acid 89 with glutamic acid.
Molecular consequence: missense variant.
Genome position (GRCh38, 1-based): chr16:49,730,805, G>T on the plus strand (C>A on the coding strand, the complement: ZNF423 is on the minus strand). VCF-style: chr16-49730805-G-T. GRCh37 (hg19) VCF-style: chr16-49764716-G-T.
Other names: c.63C>A, p.Asp21Glu (NM_001271620.2); c.243C>A, p.Asp81Glu (NM_015069.5); short protein forms D81E, D89E, D21E.
Identifiers: ClinVar variation 4743385 (VCV004743385.2).
Genomic context (GRCh38, chr16:49,730,805, plus strand): 5'-AGAGTCCTGGGGCTGTTTTGCATTACCTCCAGGACAGCGGTGGGCCCGGTGGTCCGTCAG[G>T]TCTGCCAGAGACTCGAAGTCCTGCTGACAGTGATCGCAGGTGTAAATTGATTCATCCTCC-3'
Protein context (NP_001366215.1, residues 79-99): HCQQDFESLA[Asp89Glu]LTDHRAHRCP